The following is an entry in ClinVar:

ClinVar aggregate classification (germline): Likely pathogenic (1 of 4 stars; one submission).

Submission:

GeneDx
Classification: Likely pathogenic. Last evaluated: 2017-10-30. Review status: criteria provided, single submitter. Criteria: GeneDx Variant Classification (06012015). Collection method: clinical testing. Allele origin: germline. Affected: yes.
Comment: The c.3774_3775insAACA variant has not been published as a pathogenic variant, nor has it been reported as a benign variant to our knowledge. The c.3774_3775insAACA variant is not observed in large population cohorts (Lek et al., 2016). The c.3774_3775insAACA variant causes a frameshift starting with codon Aspartic acid 1259, changes this amino acid to an Asparagine residue and creates a premature Stop codon at position 3 of the new reading frame, denoted p.Asp1259AsnfsX3. This variant is predicted to cause loss of normal protein function through protein truncation as the last 990 amino acids of the ASXL3 protein are lost and replaced with two incorrect amino acids. Therefore, this variant is likely pathogenic; however, the possibility that it is benign cannot be excluded.

NM_030632.3(ASXL3):c.3774_3775insAACA (p.Asp1259fs)

Gene: ASXL3 (ASXL transcriptional regulator 3; plus strand). Cytogenetic location: 18q12.1.
Variant type: Insertion.
Coding change: c.3774_3775insAACA on transcript NM_030632.3 (MANE Select); coding-DNA positions 3774 to 3775, AACA inserted.
Protein change: p.Asp1259fs; shifts the reading frame from aspartic acid 1259.
Molecular consequence: frameshift variant.
Genome position: GRCh38 VCF-style: chr18-33743622-T-TAACA. GRCh37 (hg19) VCF-style: chr18-31323586-T-TAACA.
Other names: short protein forms D1259fs.
Identifiers: ClinVar variation 453038 (VCV000453038.2), dbSNP rs1555743845, ClinGen allele CA658656735.